The following is an entry in ClinVar:

ClinVar aggregate classification (germline): Uncertain significance (1 of 4 stars; one submission).

Submission:

Labcorp Genetics (formerly Invitae), Labcorp
Classification: Uncertain significance. Last evaluated: 2019-01-17. Review status: criteria provided, single submitter. Criteria: Invitae Variant Classification Sherloc (09022015). Collection method: clinical testing. Allele origin: germline.
Comment: In summary, the available evidence is currently insufficient to determine the role of this variant in disease. Therefore, it has been classified as a Variant of Uncertain Significance. Algorithms developed to predict the effect of missense changes on protein structure and function are either unavailable or do not agree on the potential impact of this missense change (SIFT: "Deleterious"; PolyPhen-2: "Probably Damaging"; Align-GVGD: "Class C0"). This variant has not been reported in the literature in individuals with SZT2-related conditions. This variant is not present in population databases (ExAC no frequency). This sequence change replaces valine with methionine at codon 2098 of the SZT2 protein (p.Val2098Met). The valine residue is highly conserved and there is a small physicochemical difference between valine and methionine.

NM_001365999.1(SZT2):c.6463G>A (p.Val2155Met)

Gene: SZT2 (SZT2 subunit of KICSTOR complex; plus strand). Cytogenetic location: 1p34.2.
Variant type: single nucleotide variant.
Coding change: c.6463G>A on transcript NM_001365999.1 (MANE Select); coding-DNA position 6463, G replaced by A.
Protein change: p.Val2155Met; replaces valine 2155 with methionine.
Molecular consequence: missense variant.
Genome position (GRCh38, 1-based): chr1:43,437,857, G>A. VCF-style: chr1-43437857-G-A. GRCh37 (hg19) VCF-style: chr1-43903528-G-A.
Other names: c.6292G>A, p.Val2098Met (NM_015284.4); short protein forms V2098M, V2155M.
Identifiers: ClinVar variation 854664 (VCV000854664.9), dbSNP rs1654630516, ClinGen allele CA340029741.
Genomic context (GRCh38, chr1:43,437,857, plus strand): 5'-CGTTCTCCCTTAGACATGGTCTCTAGCCGCAGTTCAGATGCTGCTCGTCCTGTGGGCCAA[G>A]TGGACAGACATATCCAGCTGCTGGTCCATGGTGTTGGGCAGGCAGGTAAGGTCTGAGGAG-3'
Protein context (NP_001352928.1, residues 2145-2165): SSDAARPVGQ[Val2155Met]DRHIQLLVHG